The following is an entry in ClinVar:

ClinVar aggregate classification (germline): Uncertain significance (1 of 4 stars; one submission).

Submission:

Labcorp Genetics (formerly Invitae), Labcorp
Classification: Uncertain significance. Last evaluated: 2022-07-12. Review status: criteria provided, single submitter. Criteria: Invitae Variant Classification Sherloc (09022015). Collection method: clinical testing. Allele origin: germline.
Comment: This variant results in a copy number gain of the genomic region encompassing exon(s) 20-23 of the ADAMTS18 gene. This region includes the termination codon of the gene. This copy number gain extends beyond the assayed region for this gene and therefore may encompass additional genes. As the precise location of this event is unknown, it may be in tandem or it may be located elsewhere in the genome. This variant has not been reported in the literature in individuals affected with ADAMTS18-related conditions. In summary, the available evidence is currently insufficient to determine the role of this variant in disease. Therefore, it has been classified as a Variant of Uncertain Significance. Experimental studies and prediction algorithms are not available or were not evaluated, and the functional significance of this variant is currently unknown.

NC_000016.9:g.(?_77317853)_(77327175_?)dup

Gene: ADAMTS18 (ADAM metallopeptidase with thrombospondin type 1 motif 18; minus strand). Cytogenetic location: 16q23.1.
Variant type: Duplication.
Identifiers: ClinVar variation 1004800 (VCV001004800.6).